The following is an entry in ClinVar:

NM_000553.6(WRN):c.1145A>G (p.Lys382Arg)

Gene: WRN (WRN RecQ like helicase; plus strand). Cytogenetic location: 8p12.
Variant type: single nucleotide variant.
Coding change: c.1145A>G on transcript NM_000553.6 (MANE Select); coding-DNA position 1145, A replaced by G.
Protein change: p.Lys382Arg; replaces lysine 382 with arginine.
Molecular consequence: missense variant.
Genome position (GRCh38, 1-based): chr8:31,081,172, A>G. VCF-style: chr8-31081172-A-G. GRCh37 (hg19) VCF-style: chr8-30938688-A-G.
Other names: short protein forms K382R.
Identifiers: ClinVar variation 574239 (VCV000574239.10), dbSNP rs541455377, ClinGen allele CA4704255.
Genomic context (GRCh38, chr8:31,081,172, plus strand): 5'-TACTTGGAAATAAAGTGGAACGAAAAGAAGATGGATTTGAAGATGGAGTAGAAGACAACA[A>G]ATTGAAAGAGAATATGGAAAGAGCTTGTTTGATGTCGTTAGATATTACAGAACATGAACT-3'
Protein context (NP_000544.2, residues 372-392): DGFEDGVEDN[Lys382Arg]LKENMERACL

ClinVar aggregate classification (germline): Conflicting classifications of pathogenicity. Review status: criteria provided, conflicting classifications (1 of 4 stars). 3 submissions from 3 submitters: Uncertain significance (2); Benign (1). Last evaluated 2025-08-27.

Conditions:
Inborn genetic diseases. Identifiers: MedGen C0950123, MeSH D030342.
Ovarian cancer. Also called: OVARIAN CANCER, SOMATIC. Identifiers: Orphanet 213500, MedGen C1140680, MONDO:0008170, OMIM 167000.
Werner syndrome (WRN). Identifiers: Orphanet 902, MedGen C0043119, MONDO:0010196, OMIM 277700.

Allele frequency attached by ClinVar (database versions not stated): ExAC 0.00001; gnomAD 0.00001 and 0.00003; gnomAD exomes 0.00001 and 0.00003; TOPMed 0.00001; 1000 Genomes Project 30x 0.00016; 1000 Genomes Project 0.00020.
gnomAD v4.1: 11 of 1,614,104 alleles (0.00068%); highest among the groups gnomAD compares: East Asian, 0.011%; no homozygotes.

Submissions (3):

Labcorp Genetics (formerly Invitae), Labcorp
Classification: Uncertain significance for Werner syndrome. Last evaluated: 2025-08-27. Review status: criteria provided, single submitter. Criteria: Invitae Variant Classification Sherloc (09022015). Collection method: clinical testing. Allele origin: germline.
Comment: This sequence change replaces lysine, which is basic and polar, with arginine, which is basic and polar, at codon 382 of the WRN protein (p.Lys382Arg). This variant is present in population databases (rs541455377, gnomAD 0.02%). This variant has not been reported in the literature in individuals affected with WRN-related conditions. ClinVar contains an entry for this variant (Variation ID: 574239). An algorithm developed to predict the effect of missense changes on protein structure and function outputs the following: PolyPhen-2: "Benign". The arginine amino acid residue is found in multiple mammalian species, which suggests that this missense change does not adversely affect protein function. In summary, the available evidence is currently insufficient to determine the role of this variant in disease. Therefore, it has been classified as a Variant of Uncertain Significance.

Ambry Genetics
Classification: Uncertain significance for Inborn genetic diseases. Last evaluated: 2022-11-18. Review status: criteria provided, single submitter. Criteria: Ambry Variant Classification Scheme 2023. Collection method: clinical testing. Allele origin: germline.

Laboratory of Molecular Epidemiology of Birth Defects, West China Second University Hospital, Sichuan University
Classification: Benign for Ovarian cancer. Last evaluated: 2022-01-01. Review status: criteria provided, single submitter. Criteria: ACMG Guidelines, 2015. Collection method: clinical testing. Allele origin: germline. Affected: yes.